The following is an entry in ClinVar:

NM_001035.3(RYR2):c.8443G>A (p.Val2815Met)

Gene: RYR2 (ryanodine receptor 2; plus strand). Cytogenetic location: 1q43.
Variant type: single nucleotide variant.
Coding change: c.8443G>A on transcript NM_001035.3 (MANE Select); coding-DNA position 8443, G replaced by A.
Protein change: p.Val2815Met; replaces valine 2815 with methionine.
Molecular consequence: missense variant.
Genome position (GRCh38, 1-based): chr1:237,666,518, G>A. VCF-style: chr1-237666518-G-A. GRCh37 (hg19) VCF-style: chr1-237829818-G-A.
Other names: short protein forms V2815M.
Identifiers: ClinVar variation 1763405 (VCV001763405.7), dbSNP rs764241934, ClinGen allele CA087628.

ClinVar aggregate classification (germline): Conflicting classifications of pathogenicity. Review status: criteria provided, conflicting classifications (1 of 4 stars). 4 submissions from 4 submitters: Uncertain significance (3); Likely benign (1). Last evaluated 2025-07-27.

Conditions:
Cardiovascular phenotype. Identifiers: MedGen CN230736.
Catecholaminergic polymorphic ventricular tachycardia 1. Also called: VENTRICULAR TACHYCARDIA, CATECHOLAMINERGIC POLYMORPHIC, 1, WITH OR WITHOUT ATRIAL DYSFUNCTION AND/OR DILATED CARDIOMYOPATHY; VENTRICULAR TACHYCARDIA, STRESS-INDUCED POLYMORPHIC 1; RYR2-Related Catecholaminergic Polymorphic Ventricular Tachycardia. Identifiers: Orphanet 3286, MedGen C1631597, MONDO:0011484, OMIM 604772.

Allele frequency attached by ClinVar (database versions not stated): gnomAD 0.00001; TOPMed 0.00001; ExAC 0.00002.
gnomAD v4.1: 3 of 1,611,432 alleles (0.00019%); highest among the groups gnomAD compares: African/African-American, 0.004%; no homozygotes.

Submissions (4):

Labcorp Genetics (formerly Invitae), Labcorp
Classification: Likely benign for Catecholaminergic polymorphic ventricular tachycardia 1. Last evaluated: 2025-07-27. Review status: criteria provided, single submitter. Criteria: Invitae Variant Classification Sherloc (09022015). Collection method: clinical testing. Allele origin: germline.

Women's Health and Genetics/Laboratory Corporation of America, LabCorp
Classification: Uncertain significance. Last evaluated: 2024-12-03. Review status: criteria provided, single submitter. Criteria: LabCorp Variant Classification Summary - May 2015. Collection method: clinical testing. Allele origin: germline.
Comment: Variant summary: RYR2 c.8443G>A (p.Val2815Met) results in a conservative amino acid change in the encoded protein sequence. Four of five in-silico tools predict a benign effect of the variant on protein function. The variant allele was found at a frequency of 4.1e-06 in 245810 control chromosomes. The available data on variant occurrences in the general population are insufficient to allow any conclusion about variant significance. To our knowledge, no occurrence of c.8443G>A in individuals affected with Catecholaminergic Polymorphic Ventricular Tachycardia and no experimental evidence demonstrating its impact on protein function have been reported. ClinVar contains an entry for this variant (Variation ID: 1763405). Based on the evidence outlined above, the variant was classified as uncertain significance.

Ambry Genetics
Classification: Uncertain significance for Cardiovascular phenotype. Last evaluated: 2023-11-16. Review status: criteria provided, single submitter. Criteria: Ambry Variant Classification Scheme 2023. Collection method: clinical testing. Allele origin: germline.
Comment: The p.V2815M variant (also known as c.8443G>A), located in coding exon 57 of the RYR2 gene, results from a G to A substitution at nucleotide position 8443. The valine at codon 2815 is replaced by methionine, an amino acid with highly similar properties. This amino acid position is not well conserved in available vertebrate species. In addition, this alteration is predicted to be tolerated by in silico analysis. Since supporting evidence is limited at this time, the clinical significance of this alteration remains unclear.

GeneDx
Classification: Uncertain significance. Last evaluated: 2023-04-10. Review status: criteria provided, single submitter. Criteria: GeneDx Variant Classification Process June 2021. Collection method: clinical testing. Allele origin: germline. Affected: yes.
Comment: Not observed at significant frequency in large population cohorts (gnomAD); Not located in one of the three hot-spot regions of the RYR2 gene, where the majority of pathogenic missense variants occur (Medeiros-Domingo et al., 2009); In silico analysis supports that this missense variant does not alter protein structure/function; Has not been previously published as pathogenic or benign to our knowledge